The following is an entry in ClinVar:

ClinVar aggregate classification (germline): Uncertain significance. Review status: criteria provided, multiple submitters, no conflicts (2 of 4 stars). 3 submissions from 3 submitters: Uncertain significance (3). Last evaluated 2025-06-18.

Conditions:
Inborn genetic diseases. Identifiers: MedGen C0950123, MeSH D030342.
Treacher Collins syndrome 1 (TCS1). Also called: TCOF1-Related Treacher Collins Syndrome. Identifiers: Orphanet 861, MedGen CN315775, MONDO:0007944, OMIM 154500.

Allele frequency attached by ClinVar (database versions not stated): ExAC 0.00007; gnomAD exomes 0.00007; ESP Exome Variant Server 0.00008; TOPMed 0.00014; gnomAD 0.00018.
gnomAD v4.1: 334 of 1,613,994 alleles (0.021%); highest among the groups gnomAD compares: Non-Finnish European, 0.026%; no homozygotes.

Submissions (3):

Ambry Genetics
Classification: Uncertain significance for Inborn genetic diseases. Last evaluated: 2025-06-18. Review status: criteria provided, single submitter. Criteria: Ambry Variant Classification Scheme 2023. Collection method: clinical testing. Allele origin: germline.

Labcorp Genetics (formerly Invitae), Labcorp
Classification: Uncertain significance for Treacher Collins syndrome 1. Last evaluated: 2025-01-28. Review status: criteria provided, single submitter. Criteria: Invitae Variant Classification Sherloc (09022015). Collection method: clinical testing. Allele origin: germline.
Comment: This sequence change replaces proline, which is neutral and non-polar, with alanine, which is neutral and non-polar, at codon 561 of the TCOF1 protein (p.Pro561Ala). This variant is present in population databases (rs144197515, gnomAD 0.02%). This variant has not been reported in the literature in individuals affected with TCOF1-related conditions. ClinVar contains an entry for this variant (Variation ID: 1198360). Invitae Evidence Modeling of protein sequence and biophysical properties (such as structural, functional, and spatial information, amino acid conservation, physicochemical variation, residue mobility, and thermodynamic stability) indicates that this missense variant is not expected to disrupt TCOF1 protein function with a negative predictive value of 80%. In summary, the available evidence is currently insufficient to determine the role of this variant in disease. Therefore, it has been classified as a Variant of Uncertain Significance.

GeneDx
Classification: Uncertain significance. Last evaluated: 2020-11-12. Review status: criteria provided, single submitter. Criteria: GeneDx Variant Classification Process June 2021. Collection method: clinical testing. Allele origin: germline. Affected: yes.
Comment: In silico analysis, which includes protein predictors and evolutionary conservation, supports a deleterious effect; Has not been previously published as pathogenic or benign to our knowledge

NM_001371623.1(TCOF1):c.1681C>G (p.Pro561Ala)

Gene: TCOF1 (treacle ribosome biogenesis factor 1; plus strand). Cytogenetic location: 5q32.
Variant type: single nucleotide variant.
Coding change: c.1681C>G on transcript NM_001371623.1 (MANE Select); coding-DNA position 1681, C replaced by G.
Protein change: p.Pro561Ala; replaces proline 561 with alanine.
Molecular consequence: missense variant.
Genome position (GRCh38, 1-based): chr5:150,375,531, C>G. VCF-style: chr5-150375531-C-G. GRCh37 (hg19) VCF-style: chr5-149755094-C-G.
Other names: c.1450C>G, p.Pro484Ala (NM_000356.4, NM_001135245.2); c.1681C>G, p.Pro561Ala (NM_001008657.3, NM_001135243.2, NM_001135244.2 and 1 more transcripts); short protein forms P484A, P561A.
Identifiers: ClinVar variation 1198360 (VCV001198360.8), dbSNP rs144197515, ClinGen allele CA3510942.
Genomic context (GRCh38, chr5:150,375,531, plus strand): 5'-TGGGAGGAGGACTCAGAGAGCAGTAGTGAGGAGTCATCAGACAGCAGTGATGGAGAGGTG[C>G]CCACAGCTGTGGCCCCGGCTCAGGTGAGGCCCCTTCCTGTAAGGCTCTTTCTTTTTCCCC-3'
Protein context (NP_001358552.1, residues 551-571): ESSDSSDGEV[Pro561Ala]TAVAPAQEKS